The following is an entry in ClinVar:

NM_022124.6(CDH23):c.6050-1G>C

Gene: CDH23 (cadherin related 23; plus strand). Cytogenetic location: 10q22.1.
Variant type: single nucleotide variant.
Coding change: c.6050-1G>C on transcript NM_022124.6 (MANE Select); the canonical splice acceptor site of the intron before coding-DNA position 6050, G replaced by C.
Molecular consequence: splice acceptor variant.
Genome position (GRCh38, 1-based): chr10:71,791,131, G>C. VCF-style: chr10-71791131-G-C. GRCh37 (hg19) VCF-style: chr10-73550888-G-C.
Other names: c.6050-1G>C (NM_022124.5).
Identifiers: ClinVar variation 1066744 (VCV001066744.11), dbSNP rs762805265, ClinGen allele CA5545987.

ClinVar aggregate classification (germline): Pathogenic/Likely pathogenic. Review status: criteria provided, multiple submitters, no conflicts (2 of 4 stars). 2 submissions from 2 submitters: Pathogenic (1); Likely pathogenic (1). Last evaluated 2025-01-28.

Conditions:
Usher syndrome type 1 (USH1). Also called: RETINITIS PIGMENTOSA AND CONGENITAL DEAFNESS. Identifiers: Orphanet 231169, Orphanet 886, MedGen C1568247, MONDO:0010168, OMIM 276900.

Allele frequency attached by ClinVar (database versions not stated): TOPMed below 0.00001; gnomAD 0.00001; gnomAD exomes 0.00001; ExAC 0.00003.

Submissions (2):

Natera, Inc.
Classification: Likely pathogenic for Usher syndrome type 1. Last evaluated: 2025-01-28. Review status: criteria provided, single submitter. Criteria: Natera Variant Classification Schema (03/2026). Collection method: clinical testing. Allele origin: germline.
Comment: The c.6050-1G>C variant in CDH23 is a canonical splice acceptor site variant predicted to affect pre-mRNA splicing, which may result in an abnormal transcript and altered protein product. This variant is expected to result in nonsense mediated decay, truncation, or a dysfunctional protein product. This variant is rare in the general population with a frequency below the threshold expected for the associated phenotype(s). This variant has been observed in one or more individuals affected with the associated recessive disease, as either homozygous or compound heterozygous with a second variant (PMID: 21940737). Additionally, this variant has been observed to segregate in affected family members (PMID: 21940737). Given the available evidence, this variant is classified as Likely Pathogenic.

Labcorp Genetics (formerly Invitae), Labcorp
Classification: Pathogenic. Last evaluated: 2022-11-15. Review status: criteria provided, single submitter. Criteria: Invitae Variant Classification Sherloc (09022015). Collection method: clinical testing. Allele origin: germline.
Comment: This variant is present in population databases (rs762805265, gnomAD 0.007%). This sequence change affects an acceptor splice site in intron 46 of the CDH23 gene. It is expected to disrupt RNA splicing. Variants that disrupt the donor or acceptor splice site typically lead to a loss of protein function (PMID: 16199547), and loss-of-function variants in CDH23 are known to be pathogenic (PMID: 11138009, 21940737). Disruption of this splice site has been observed in individuals with clinical features of Usher syndrome (PMID: 21940737; Invitae). For these reasons, this variant has been classified as Pathogenic. Algorithms developed to predict the effect of sequence changes on RNA splicing suggest that this variant may disrupt the consensus splice site. ClinVar contains an entry for this variant (Variation ID: 1066744).

Literature cited by the submitters: PubMed 21940737 (cited by Natera, Inc. and Labcorp Genetics (formerly Invitae), Labcorp); PubMed 16199547 (cited by Labcorp Genetics (formerly Invitae), Labcorp); PubMed 11138009 (cited by Labcorp Genetics (formerly Invitae), Labcorp).